The following is an entry in ClinVar:

NM_000138.5(FBN1):c.3173G>T (p.Gly1058Val)

Gene: FBN1 (fibrillin 1; minus strand). Cytogenetic location: 15q21.1.
Variant type: single nucleotide variant.
Coding change: c.3173G>T on transcript NM_000138.5 (MANE Select); coding-DNA position 3173, G replaced by T.
Protein change: p.Gly1058Val; replaces glycine 1058 with valine.
Molecular consequence: missense variant.
Genome position (GRCh38, 1-based): chr15:48,488,403, C>A on the plus strand (G>T on the coding strand, the complement: FBN1 is on the minus strand). VCF-style: chr15-48488403-C-A. GRCh37 (hg19) VCF-style: chr15-48780600-C-A.
Other names: p.G1058V:GGC>GTC; short protein forms G1058V.
Identifiers: ClinVar variation 200013 (VCV000200013.7), dbSNP rs794728202, ClinGen allele CA013848.
Genomic context (GRCh38, chr15:48,488,403, plus strand): 5'-TGGCCCTTAAGGCTCATTAACTGACCTGTGCAGTTCCTTTCTTCAGAATCAAGAGCAAAG[C>A]CGCTGTCACACCTGCACTTAAAGCTGCCAATGGTGTTTCTGCACTTGCCGTGGGTGCAGA-3'
Protein context (NP_000129.3, residues 1048-1068): IGSFKCRCDS[Gly1058Val]FALDSEERNC

ClinVar aggregate classification (germline): Pathogenic/Likely pathogenic. Review status: criteria provided, multiple submitters, no conflicts (2 of 4 stars). 3 submissions from 3 submitters: Pathogenic (2); Likely pathogenic (1). Last evaluated 2022-04-02.

Conditions:
Marfan syndrome (MFS). Also called: Marfan syndrome, classic; FBN1-Related Marfan Syndrome; Marfan syndrome type 1; Marfan's syndrome; MARFAN SYNDROME, TYPE I. Identifiers: Orphanet 284963, Orphanet 558, MedGen C0024796, MONDO:0007947, OMIM 154700.
Familial thoracic aortic aneurysm and aortic dissection (TAAD). Also called: Thoracic aortic aneurysms and dissections. Identifiers: Orphanet 91387, MedGen C4707243, MONDO:0019625.
FBN1-related disorder. Also called: FBN1-related disorders.

Submissions (3):

Labcorp Genetics (formerly Invitae), Labcorp
Classification: Pathogenic for Marfan syndrome; Familial thoracic aortic aneurysm and aortic dissection. Last evaluated: 2022-04-02. Review status: criteria provided, single submitter. Criteria: Invitae Variant Classification Sherloc (09022015). Collection method: clinical testing. Allele origin: germline.
Comment: This missense change has been observed in individuals with clinical features of Marfan syndrome (PMID: 27160103; Invitae). This variant is not present in population databases (gnomAD no frequency). This sequence change replaces glycine, which is neutral and non-polar, with valine, which is neutral and non-polar, at codon 1058 of the FBN1 protein (p.Gly1058Val). ClinVar contains an entry for this variant (Variation ID: 200013). For these reasons, this variant has been classified as Pathogenic. This variant disrupts the p.Gly1058 amino acid residue in FBN1. Other variant(s) that disrupt this residue have been determined to be pathogenic (PMID: 16222657; Invitae). This suggests that this residue is clinically significant, and that variants that disrupt this residue are likely to be disease-causing. Advanced modeling of protein sequence and biophysical properties (such as structural, functional, and spatial information, amino acid conservation, physicochemical variation, residue mobility, and thermodynamic stability) performed at Invitae indicates that this missense variant is expected to disrupt FBN1 protein function.

Blueprint Genetics
Classification: Likely pathogenic for FBN1-related disorders. Last evaluated: 2021-03-30. Review status: criteria provided, single submitter. Criteria: ACMG Guidelines, 2015. Collection method: clinical testing. Allele origin: germline. Affected: yes. Observed: 1 variant allele.

GeneDx
Classification: Pathogenic. Last evaluated: 2014-08-18. Review status: criteria provided, single submitter. Criteria: GeneDx Variant Classification (06012015). Collection method: clinical testing. Allele origin: germline. Affected: yes.
Comment: p.Gly1058Val (GGC>GTC): c.3173 G>T in exon 26 of the FBN1 gene (NM_000138.4)The G1058V mutation in the FBN1 gene has been previously reported in one individual with Marfan syndrome in the Universal Mutation Database (Beroud C et al., 2000), however no clinical description was provided. G1058V results in a conservative amino acid substitution of Glycine at a position that is conserved across species. Mutations in nearby residues (C1053R, C1055G, S1063C, C1068G) have been reported in association with Marfan syndrome, further supporting the functional importance of this region of the protein. Furthermore, the G1058V mutation was not observed inapproximately 6,500 individuals of European and African American ancestry in the NHLBI Exome Sequencing Project, indicating it is not a common benign variant in these populations. In summary, G1058V in the FBN1 gene is interpreted as a likely disease-causing mutation. The variant is found in TAAD panel(s).

Literature cited by the submitters: PubMed 27160103 (cited by Labcorp Genetics (formerly Invitae), Labcorp); PubMed 16222657 (cited by Labcorp Genetics (formerly Invitae), Labcorp).